The following is an entry in ClinVar:

ClinVar aggregate classification (germline): Pathogenic (1 of 4 stars; one submission).

Allele frequency attached by ClinVar (database versions not stated): gnomAD exomes 0.00001.
gnomAD v4.1: 3 of 1,613,956 alleles (0.00019%); highest among the groups gnomAD compares: Admixed American, 0.0033%; no homozygotes.

Submission:

Labcorp Genetics (formerly Invitae), Labcorp
Classification: Pathogenic. Last evaluated: 2023-10-10. Review status: criteria provided, single submitter. Criteria: Invitae Variant Classification Sherloc (09022015). Collection method: clinical testing. Allele origin: germline.
Comment: This sequence change replaces tryptophan, which is neutral and slightly polar, with leucine, which is neutral and non-polar, at codon 272 of the TYR protein (p.Trp272Leu). This variant is present in population databases (no rsID available, gnomAD 0.006%). This missense change has been observed in individual(s) with clinical features of oculocutaneous albinism (Invitae). In at least one individual the data is consistent with being in trans (on the opposite chromosome) from a pathogenic variant. Advanced modeling of protein sequence and biophysical properties (such as structural, functional, and spatial information, amino acid conservation, physicochemical variation, residue mobility, and thermodynamic stability) performed at Invitae indicates that this missense variant is expected to disrupt TYR protein function. This variant disrupts the p.Trp272 amino acid residue in TYR. Other variant(s) that disrupt this residue have been determined to be pathogenic (PMID: 10987646, 15606524). This suggests that this residue is clinically significant, and that variants that disrupt this residue are likely to be disease-causing. For these reasons, this variant has been classified as Pathogenic.

Literature cited by the submitters: PubMed 10987646; PubMed 15606524.

NM_000372.5(TYR):c.815G>T (p.Trp272Leu)

Gene: TYR (tyrosinase; plus strand). Cytogenetic location: 11q14.3.
Variant type: single nucleotide variant.
Coding change: c.815G>T on transcript NM_000372.5 (MANE Select); coding-DNA position 815, G replaced by T.
Protein change: p.Trp272Leu; replaces tryptophan 272 with leucine.
Molecular consequence: missense variant.
Genome position (GRCh38, 1-based): chr11:89,178,768, G>T. VCF-style: chr11-89178768-G-T. GRCh37 (hg19) VCF-style: chr11-88911936-G-T.
Other names: short protein forms W272L.
Identifiers: ClinVar variation 2872487 (VCV002872487.3), dbSNP rs779454147, ClinGen allele CA382035652.